The following is an entry in ClinVar:

NM_004304.5(ALK):c.3155T>C (p.Phe1052Ser)

Gene: ALK (ALK receptor tyrosine kinase; minus strand). Cytogenetic location: 2p23.2.
Variant type: single nucleotide variant.
Coding change: c.3155T>C on transcript NM_004304.5 (MANE Select); coding-DNA position 3155, T replaced by C.
Protein change: p.Phe1052Ser; replaces phenylalanine 1052 with serine.
Molecular consequence: missense variant.
Genome position (GRCh38, 1-based): chr2:29,225,478, A>G on the plus strand (T>C on the coding strand, the complement: ALK is on the minus strand). VCF-style: chr2-29225478-A-G. GRCh37 (hg19) VCF-style: chr2-29448344-A-G.
Other names: short protein forms F1052S.
Identifiers: ClinVar variation 4722828 (VCV004722828.1).

ClinVar aggregate classification (germline): Uncertain significance (1 of 4 stars; one submission).

Conditions:
Neuroblastoma, susceptibility to, 3. Also called: ALK-Related Neuroblastic Tumor Susceptibility. Identifiers: Orphanet 635, MedGen C2751681, MONDO:0013083, OMIM 613014.

Submission:

Labcorp Genetics (formerly Invitae), Labcorp
Classification: Uncertain significance for Neuroblastoma, susceptibility to, 3. Last evaluated: 2025-07-08. Review status: criteria provided, single submitter. Criteria: Invitae Variant Classification Sherloc (09022015). Collection method: clinical testing. Allele origin: germline.
Comment: This sequence change replaces phenylalanine, which is neutral and non-polar, with serine, which is neutral and polar, at codon 1052 of the ALK protein (p.Phe1052Ser). This variant is not present in population databases (gnomAD no frequency). This variant has not been reported in the literature in individuals affected with ALK-related conditions. An algorithm developed to predict the effect of missense changes on protein structure and function (PolyPhen-2) suggests that this variant is likely to be tolerated. In summary, the available evidence is currently insufficient to determine the role of this variant in disease. Therefore, it has been classified as a Variant of Uncertain Significance.